The following is an entry in ClinVar:

NM_004329.3(BMPR1A):c.651T>C (p.Gly217=)

Gene: BMPR1A (bone morphogenetic protein receptor type 1A; plus strand). Cytogenetic location: 10q23.2.
Variant type: single nucleotide variant.
Coding change: c.651T>C on transcript NM_004329.3 (MANE Select); coding-DNA position 651, T replaced by C.
Protein change: p.Gly217=; no amino-acid change (glycine 217 retained).
Molecular consequence: synonymous variant. On other transcripts: non-coding transcript variant (3), intron variant (1).
Genome position (GRCh38, 1-based): chr10:86,912,360, T>C. VCF-style: chr10-86912360-T-C. GRCh37 (hg19) VCF-style: chr10-88672117-T-C.
Other names: c.726T>C, p.Gly242= (NM_001406559.1); c.699T>C, p.Gly233= (NM_001406560.1); c.651T>C, p.Gly217= (NM_001406561.1, NM_001406562.1, NM_001406563.1 and 20 more transcripts); c.567T>C, p.Gly189= (NM_001406584.1, NM_001406585.1, NM_001406586.1 and 2 more transcripts); c.334-4774T>C (NM_001406589.1).
Identifiers: ClinVar variation 3378680 (VCV003378680.3).

ClinVar aggregate classification (germline): Benign/Likely benign. Review status: criteria provided, multiple submitters, no conflicts (2 of 4 stars). 2 submissions from 2 submitters: Benign (1); Likely benign (1). Last evaluated 2024-08-01.

Conditions:
Juvenile polyposis syndrome (JPS). Identifiers: Orphanet 2929, MedGen C0345893, MONDO:0017380, OMIM 174900.

Submissions (2):

Myriad Genetics, Inc.
Classification: Benign for Juvenile polyposis syndrome. Last evaluated: 2024-08-01. Review status: criteria provided, single submitter. Criteria: Myriad Autosomal Dominant, Autosomal Recessive and X-Linked Classification Criteria (2023). Collection method: clinical testing. Allele origin: unknown.
Comment: This variant is considered benign. This variant is a silent/synonymous amino acid change and it is not expected to impact splicing.

Labcorp Genetics (formerly Invitae), Labcorp
Classification: Likely benign for Juvenile polyposis syndrome. Last evaluated: 2024-03-10. Review status: criteria provided, single submitter. Criteria: Invitae Variant Classification Sherloc (09022015). Collection method: clinical testing. Allele origin: germline.